The following is an entry in ClinVar:

NM_000435.3(NOTCH3):c.2963G>A (p.Cys988Tyr)

Gene: NOTCH3 (notch receptor 3; minus strand). Cytogenetic location: 19p13.12.
Variant type: single nucleotide variant.
Coding change: c.2963G>A on transcript NM_000435.3 (MANE Select); coding-DNA position 2963, G replaced by A.
Protein change: p.Cys988Tyr; replaces cysteine 988 with tyrosine.
Molecular consequence: missense variant.
Genome position (GRCh38, 1-based): chr19:15,180,992, C>T on the plus strand (G>A on the coding strand, the complement: NOTCH3 is on the minus strand). VCF-style: chr19-15180992-C-T. GRCh37 (hg19) VCF-style: chr19-15291803-C-T.
Other names: short protein forms C988Y.
Identifiers: ClinVar variation 1709532 (VCV001709532.2), dbSNP rs2145422675, ClinGen allele CA404514559.

ClinVar aggregate classification (germline): Pathogenic (1 of 4 stars; one submission).

Conditions:
Cerebral arteriopathy, autosomal dominant, with subcortical infarcts and leukoencephalopathy, type 1 (CADASIL1). Also called: DEMENTIA, HEREDITARY MULTIINFARCT TYPE; CADASIL 1; CASIL; Cerebral arteriopathy with subcortical infarcts and leukoencephalopathy 1. Identifiers: Orphanet 136, MedGen C4551768, MONDO:0000914, OMIM 125310.

Submission:

MGZ Medical Genetics Center
Classification: Pathogenic for Cerebral arteriopathy, autosomal dominant, with subcortical infarcts and leukoencephalopathy, type 1. Last evaluated: 2022-08-23. Review status: criteria provided, single submitter. Criteria: ACMG Guidelines, 2015. Collection method: clinical testing. Allele origin: germline. Affected: yes. Observed: 1 variant allele.
Comment: ACMG criteria applied: PM1_STR, PM5_STR, PP1_STR, PS4_MOD, PM2_SUP, PP2, PP3